The following is an entry in ClinVar:

ClinVar aggregate classification (germline): Pathogenic/Likely pathogenic. Review status: criteria provided, multiple submitters, no conflicts (2 of 4 stars). 4 submissions from 4 submitters: Pathogenic (1); Likely pathogenic (1). 2 of the submissions do not count toward it. Last evaluated 2025-12-25.

Conditions:
Polycystic liver disease 2 (PCLD2). Also called: Polycystic liver disease 2 with or without kidney cysts. Identifiers: Orphanet 2924, MedGen C4310769, MONDO:0014860, OMIM 617004.
SEC63-related disorder. Also called: SEC63-related condition.
Autosomal dominant polycystic liver disease. Also called: Congenital cystic disease of liver; Polycystic liver disease. Identifiers: Orphanet 2924, MedGen C0158683, MONDO:0000447, HP:0006557.

Allele frequency attached by ClinVar (database versions not stated): gnomAD exomes below 0.00001.
gnomAD v4.1: 3 of 1,612,488 alleles (0.00019%); highest among the groups gnomAD compares: South Asian, 0.0011%; no homozygotes.

Submissions (4):

3billion
Classification: Pathogenic for Polycystic liver disease 2. Last evaluated: 2025-12-25. Review status: criteria provided, single submitter. Criteria: ACMG Guidelines, 2015. Collection method: clinical testing. Allele origin: germline. Affected: yes.
Comment: The variant is observed at an extremely low frequency in the gnomAD v4.1.0 dataset (total allele frequency: <0.001%). Predicted Consequence/Location: Stop-gained (nonsense): predicted to result in a loss or disruption of normal protein function through nonsense-mediated decay (NMD) or protein truncation. Multiple pathogenic variants are reported downstream of the variant. The variant has been reported to be associated with SEC63-related disorder (ClinVar ID: VCV001255634). Therefore, this variant is classified as Pathogenic according to the recommendation of ACMG/AMP guideline.

Fulgent Genetics
Classification: Likely pathogenic for Polycystic liver disease 2. Last evaluated: 2024-04-12. Review status: criteria provided, single submitter. Criteria: ACMG Guidelines, 2015. Collection method: clinical testing. Allele origin: germline.

PreventionGenetics, part of Exact Sciences
Classification: Likely pathogenic for SEC63-related condition. Last evaluated: 2024-02-04. Review status: no assertion criteria provided. Collection method: clinical testing. Allele origin: germline. Not counted in ClinVar's aggregate classification.
Comment: The SEC63 c.1864C>T variant is predicted to result in premature protein termination (p.Arg622*). This variant has been reported in two individuals with autosomal dominant polycystic liver disease (Table S1, Schönauer R et al. 2023 PubMed ID: 38101549). This variant has not been reported in a large population database, indicating this variant is rare. Nonsense variants in SEC63 are expected to be pathogenic. This variant is interpreted as likely pathogenic.

Laboratory of Gastroenterology and Hepatology, Radboud University Medical Center
Classification: Pathogenic for Autosomal dominant polycystic liver disease. Last evaluated: 2021-09-01. Review status: no assertion criteria provided. Collection method: research. Allele origin: germline. Affected: yes. Not counted in ClinVar's aggregate classification.

NM_007214.5(SEC63):c.1864C>T (p.Arg622Ter)

Gene: SEC63 (SEC63 protein translocation regulator; minus strand). Cytogenetic location: 6q21.
Variant type: single nucleotide variant.
Coding change: c.1864C>T on transcript NM_007214.5 (MANE Select); coding-DNA position 1864, C replaced by T.
Protein change: p.Arg622Ter; replaces arginine 622 with a stop codon.
Molecular consequence: nonsense.
Genome position (GRCh38, 1-based): chr6:107,881,220, G>A on the plus strand (C>T on the coding strand, the complement: SEC63 is on the minus strand). VCF-style: chr6-107881220-G-A. GRCh37 (hg19) VCF-style: chr6-108202424-G-A.
Other names: c.1864C>T (NM_007214.4); short protein forms R622*.
Identifiers: ClinVar variation 1255634 (VCV001255634.8), dbSNP rs2114403750, ClinGen allele CA365329807.